The following is an entry in ClinVar:

NM_005475.3(SH2B3):c.190T>G (p.Ser64Ala)

Gene: SH2B3 (SH2B adaptor protein 3; plus strand). Cytogenetic location: 12q24.12.
Variant type: single nucleotide variant.
Coding change: c.190T>G on transcript NM_005475.3 (MANE Select); coding-DNA position 190, T replaced by G.
Protein change: p.Ser64Ala; replaces serine 64 with alanine.
Molecular consequence: missense variant.
Genome position (GRCh38, 1-based): chr12:111,418,335, T>G. VCF-style: chr12-111418335-T-G. GRCh37 (hg19) VCF-style: chr12-111856139-T-G.
Other names: short protein forms S64A.
Identifiers: ClinVar variation 4630788 (VCV004630788.1).

ClinVar aggregate classification (germline): Uncertain significance (1 of 4 stars; one submission).

Conditions:
Inborn genetic diseases. Identifiers: MedGen C0950123, MeSH D030342.

Submission:

Ambry Genetics
Classification: Uncertain significance for Inborn genetic diseases. Last evaluated: 2025-12-13. Review status: criteria provided, single submitter. Criteria: Ambry Variant Classification Scheme 2023. Collection method: clinical testing. Allele origin: germline.
Comment: The p.S64A variant (also known as c.190T>G), located in coding exon 1 of the SH2B3 gene, results from a T to G substitution at nucleotide position 190. The serine at codon 64 is replaced by alanine, an amino acid with similar properties. This amino acid position is conserved. In addition, this alteration is predicted to be tolerated by in silico analysis. Based on the available evidence, the clinical significance of this variant remains unclear.